The following is an entry in ClinVar:

ClinVar aggregate classification (germline): Conflicting classifications of pathogenicity. Review status: criteria provided, conflicting classifications (1 of 4 stars). 4 submissions from 4 submitters: Uncertain significance (1); Likely benign (3). Last evaluated 2026-02-04.

Conditions:
Xeroderma pigmentosum, group E (XPE). Also called: Xeroderma pigmentosum, complementation group E, DDB-negative form; Xeroderma pigmentosum, group E, DDB-negative subtype; XERODERMA PIGMENTOSUM V; XP, GROUP E; Xeroderma pigmentosum, complementation group E; DDB2-Related Xeroderma Pigmentosum. Identifiers: Orphanet 910, MedGen C1848411, MONDO:0010213, OMIM 278740.

Allele frequency attached by ClinVar (database versions not stated): gnomAD exomes 0.00009 and 0.00011; gnomAD 0.00014 and 0.00017; TOPMed 0.00015; ExAC 0.00017; ESP Exome Variant Server 0.00031.

Submissions (4):

Labcorp Genetics (formerly Invitae), Labcorp
Classification: Likely benign. Last evaluated: 2026-02-04. Review status: criteria provided, single submitter. Criteria: Invitae Variant Classification Sherloc (09022015). Collection method: clinical testing. Allele origin: germline.

Blueprint Genetics
Classification: Likely benign. Last evaluated: 2024-10-14. Review status: criteria provided, single submitter. Criteria: ACMG Guidelines, 2015. Collection method: clinical testing. Allele origin: germline.

CeGaT Center for Human Genetics Tuebingen
Classification: Likely benign. Last evaluated: 2023-11-01. Review status: criteria provided, single submitter. Criteria: CeGaT Center For Human Genetics Tuebingen Variant Classification Criteria Version 2. Collection method: clinical testing. Allele origin: germline. Affected: yes. Observed: 2 variant alleles.
Comment: DDB2: BP4, BP7

Illumina Laboratory Services, Illumina
Classification: Uncertain significance for Xeroderma pigmentosum, group E. Last evaluated: 2018-01-13. Review status: criteria provided, single submitter. Criteria: ICSL Variant Classification Criteria 13 December 2019. Collection method: clinical testing. Allele origin: germline.

NM_000107.3(DDB2):c.984G>A (p.Pro328=)

Gene: DDB2 (damage specific DNA binding protein 2; plus strand). Cytogenetic location: 11p11.2.
Variant type: single nucleotide variant.
Coding change: c.984G>A on transcript NM_000107.3 (MANE Select); coding-DNA position 984, G replaced by A.
Protein change: p.Pro328=; no amino-acid change (proline 328 retained).
Molecular consequence: synonymous variant. On other transcripts: intron variant (1).
Genome position (GRCh38, 1-based): chr11:47,235,373, G>A. VCF-style: chr11-47235373-G-A. GRCh37 (hg19) VCF-style: chr11-47256924-G-A.
Other names: c.457-2464G>A (NM_001300734.2).
Identifiers: ClinVar variation 304925 (VCV000304925.31), dbSNP rs138255134, ClinGen allele CA5972674.